The following is an entry in ClinVar:

ClinVar aggregate classification (germline): Uncertain significance. Review status: criteria provided, multiple submitters, no conflicts (2 of 4 stars). 2 submissions from 2 submitters: Uncertain significance (2). Last evaluated 2025-04-13.

Conditions:
Inborn genetic diseases. Identifiers: MedGen C0950123, MeSH D030342.

gnomAD v4.1: 1 of 1,613,862 alleles (0.000062%); highest among the groups gnomAD compares: Admixed American, 0.0017%; no homozygotes.

Submissions (2):

Ambry Genetics
Classification: Uncertain significance for Inborn genetic diseases. Last evaluated: 2025-04-13. Review status: criteria provided, single submitter. Criteria: Ambry Variant Classification Scheme 2023. Collection method: clinical testing. Allele origin: germline.
Comment: The p.Q856L variant (also known as c.2567A>T), located in coding exon 23 of the ANKRD26 gene, results from an A to T substitution at nucleotide position 2567. The glutamine at codon 856 is replaced by leucine, an amino acid with dissimilar properties. This amino acid position is conserved. In addition, this alteration is predicted to be tolerated by in silico analysis. Based on the available evidence, the clinical significance of this variant remains unclear.

Labcorp Genetics (formerly Invitae), Labcorp
Classification: Uncertain significance. Last evaluated: 2025-02-07. Review status: criteria provided, single submitter. Criteria: Invitae Variant Classification Sherloc (09022015). Collection method: clinical testing. Allele origin: germline.
Comment: This sequence change replaces glutamine, which is neutral and polar, with leucine, which is neutral and non-polar, at codon 856 of the ANKRD26 protein (p.Gln856Leu). This variant is not present in population databases (gnomAD no frequency). This variant has not been reported in the literature in individuals affected with ANKRD26-related conditions. An algorithm developed to predict the effect of missense changes on protein structure and function (PolyPhen-2) suggests that this variant is likely to be tolerated. In summary, the available evidence is currently insufficient to determine the role of this variant in disease. Therefore, it has been classified as a Variant of Uncertain Significance.

NM_014915.3(ANKRD26):c.2567A>T (p.Gln856Leu)

Gene: ANKRD26 (ankyrin repeat domain 26; minus strand). Cytogenetic location: 10p12.1.
Variant type: single nucleotide variant.
Coding change: c.2567A>T on transcript NM_014915.3 (MANE Select); coding-DNA position 2567, A replaced by T.
Protein change: p.Gln856Leu; replaces glutamine 856 with leucine.
Molecular consequence: missense variant.
Genome position (GRCh38, 1-based): chr10:27,037,316, T>A on the plus strand (A>T on the coding strand, the complement: ANKRD26 is on the minus strand). VCF-style: chr10-27037316-T-A. GRCh37 (hg19) VCF-style: chr10-27326245-T-A.
Other names: c.2564A>T, p.Gln855Leu (NM_001256053.2); short protein forms Q855L, Q856L.
Identifiers: ClinVar variation 3913710 (VCV003913710.2).